The following is an entry in ClinVar:

ClinVar aggregate classification (germline): Uncertain significance (1 of 4 stars; one submission).

gnomAD v4.1: 41 of 1,614,168 alleles (0.0025%); highest among the groups gnomAD compares: Admixed American, 0.02%; no homozygotes.

Submission:

Labcorp Genetics (formerly Invitae), Labcorp
Classification: Uncertain significance. Last evaluated: 2025-06-11. Review status: criteria provided, single submitter. Criteria: Invitae Variant Classification Sherloc (09022015). Collection method: clinical testing. Allele origin: germline.
Comment: This sequence change replaces arginine, which is basic and polar, with cysteine, which is neutral and slightly polar, at codon 378 of the TGM6 protein (p.Arg378Cys). This variant is present in population databases (rs200015721, gnomAD 0.02%). This variant has not been reported in the literature in individuals affected with TGM6-related conditions. Invitae Evidence Modeling of protein sequence and biophysical properties (such as structural, functional, and spatial information, amino acid conservation, physicochemical variation, residue mobility, and thermodynamic stability) indicates that this missense variant is expected to disrupt TGM6 protein function with a positive predictive value of 80%. In summary, the available evidence is currently insufficient to determine the role of this variant in disease. Therefore, it has been classified as a Variant of Uncertain Significance.

NM_198994.3(TGM6):c.1132C>T (p.Arg378Cys)

Gene: TGM6 (transglutaminase 6; plus strand). Cytogenetic location: 20p13.
Variant type: single nucleotide variant.
Coding change: c.1132C>T on transcript NM_198994.3 (MANE Select); coding-DNA position 1132, C replaced by T.
Protein change: p.Arg378Cys; replaces arginine 378 with cysteine.
Molecular consequence: missense variant.
Genome position (GRCh38, 1-based): chr20:2,403,619, C>T. VCF-style: chr20-2403619-C-T. GRCh37 (hg19) VCF-style: chr20-2384265-C-T.
Other names: c.1132C>T, p.Arg378Cys (NM_001254734.2); short protein forms R378C.
Identifiers: ClinVar variation 4804457 (VCV004804457.1).